The following is an entry in ClinVar:

ClinVar aggregate classification (germline): Uncertain significance. Review status: criteria provided, multiple submitters, no conflicts (2 of 4 stars). 4 submissions from 4 submitters: Uncertain significance (4). Last evaluated 2024-09-03.

Conditions:
Inborn genetic diseases. Identifiers: MedGen C0950123, MeSH D030342.
Congenital disorder of glycosylation (CDG). Also called: Carbohydrate-deficient glycoprotein syndrome; Congenital disorders of glycosylation. Identifiers: Orphanet 137, MedGen C0282577, MONDO:0015286.
Intellectual developmental disorder, autosomal recessive 7. Also called: Intellectual disability, autosomal recessive 7. Identifiers: Orphanet 88616, MedGen C1970197, MONDO:0012615, OMIM 611093.

Allele frequency attached by ClinVar (database versions not stated): gnomAD exomes 0.00004 and 0.00017; ExAC 0.00006; gnomAD 0.00006; TOPMed 0.00008.
gnomAD v4.1: 248 of 1,603,760 alleles (0.015%); highest among the groups gnomAD compares: Non-Finnish European, 0.02%; no homozygotes.

Submissions (4):

Ambry Genetics
Classification: Uncertain significance for Inborn genetic diseases. Last evaluated: 2024-09-03. Review status: criteria provided, single submitter. Criteria: Ambry Variant Classification Scheme 2023. Collection method: clinical testing. Allele origin: germline.

Baylor Genetics
Classification: Uncertain significance for Intellectual developmental disorder, autosomal recessive 7. Last evaluated: 2023-12-11. Review status: criteria provided, single submitter. Criteria: ACMG Guidelines, 2015. Collection method: clinical testing. Allele origin: unknown.

Labcorp Genetics (formerly Invitae), Labcorp
Classification: Uncertain significance for Intellectual developmental disorder, autosomal recessive 7. Last evaluated: 2021-11-30. Review status: criteria provided, single submitter. Criteria: Invitae Variant Classification Sherloc (09022015). Collection method: clinical testing. Allele origin: germline.
Comment: In summary, the available evidence is currently insufficient to determine the role of this variant in disease. Therefore, it has been classified as a Variant of Uncertain Significance. Algorithms developed to predict the effect of sequence changes on RNA splicing suggest that this variant may create or strengthen a splice site. Algorithms developed to predict the effect of missense changes on protein structure and function are either unavailable or do not agree on the potential impact of this missense change (SIFT: "Deleterious"; PolyPhen-2: "Not Available"; Align-GVGD: "Class C0"). ClinVar contains an entry for this variant (Variation ID: 912231). This variant has not been reported in the literature in individuals affected with TUSC3-related conditions. This variant is present in population databases (rs755808199, gnomAD 0.009%). This sequence change replaces arginine, which is basic and polar, with glycine, which is neutral and non-polar, at codon 9 of the TUSC3 protein (p.Arg9Gly).

Illumina Laboratory Services, Illumina
Classification: Uncertain significance for Congenital disorder of glycosylation. Last evaluated: 2018-01-13. Review status: criteria provided, single submitter. Criteria: ICSL Variant Classification Criteria 13 December 2019. Collection method: clinical testing. Allele origin: germline.

NM_006765.4(TUSC3):c.25C>G (p.Arg9Gly)

Gene: TUSC3 (tumor suppressor candidate 3; plus strand). Cytogenetic location: 8p22.
Variant type: single nucleotide variant.
Coding change: c.25C>G on transcript NM_006765.4 (MANE Select); coding-DNA position 25, C replaced by G.
Protein change: p.Arg9Gly; replaces arginine 9 with glycine.
Molecular consequence: missense variant.
Genome position (GRCh38, 1-based): chr8:15,540,455, C>G. VCF-style: chr8-15540455-C-G. GRCh37 (hg19) VCF-style: chr8-15397964-C-G.
Other names: c.25C>G, p.Arg9Gly (NM_001356429.2, NM_178234.2); short protein forms R9G.
Identifiers: ClinVar variation 912231 (VCV000912231.13), dbSNP rs755808199, ClinGen allele CA4640262.
Genomic context (GRCh38, chr8:15,540,455, plus strand): 5'-GGCTACCGCGCGTGGAGGAGACACTGCCCTGCCGCGATGGGGGCCCGGGGCGCTCCTTCA[C>G]GCCGTAGGCAAGCGGGGCGGCGGCTGCGGTACCTGCCCACCGGGAGCTTTCCCTTCCTTC-3'
Protein context (NP_006756.2, residues 1-19): MGARGAPS[Arg9Gly]RRQAGRRLRY